The following is an entry in ClinVar:

ClinVar aggregate classification (germline): Uncertain significance (1 of 4 stars; one submission).

Conditions:
Inborn genetic diseases. Identifiers: MedGen C0950123, MeSH D030342.

Submission:

Ambry Genetics
Classification: Uncertain significance for Inborn genetic diseases. Last evaluated: 2025-06-02. Review status: criteria provided, single submitter. Criteria: Ambry Variant Classification Scheme 2023. Collection method: clinical testing. Allele origin: germline.
Comment: The p.D213E variant (also known as c.639C>G), located in coding exon 5 of the MECOM gene, results from a C to G substitution at nucleotide position 639. The aspartic acid at codon 213 is replaced by glutamic acid, an amino acid with highly similar properties. This amino acid position is conserved. In addition, this alteration is predicted to be tolerated by in silico analysis. Based on the available evidence, the clinical significance of this variant remains unclear.

NM_004991.4(MECOM):c.639C>G (p.Asp213Glu)

Gene: MECOM (MDS1 and EVI1 complex locus; minus strand). Cytogenetic location: 3q26.2.
Variant type: single nucleotide variant.
Coding change: c.639C>G on transcript NM_004991.4 (MANE Select); coding-DNA position 639, C replaced by G.
Protein change: p.Asp213Glu; replaces aspartic acid 213 with glutamic acid.
Molecular consequence: missense variant.
Genome position (GRCh38, 1-based): chr3:169,128,035, G>C on the plus strand (C>G on the coding strand, the complement: MECOM is on the minus strand). VCF-style: chr3-169128035-G-C. GRCh37 (hg19) VCF-style: chr3-168845823-G-C.
Other names: c.75C>G, p.Asp25Glu (NM_001366467.2, NM_001366468.2, NM_001366469.2 and 9 more transcripts); c.639C>G, p.Asp213Glu (NM_001366473.2, NM_001366466.2); c.267C>G, p.Asp89Glu (NM_001105077.4); short protein forms D25E, D213E, D89E.
Identifiers: ClinVar variation 4053314 (VCV004053314.1).